The following is an entry in ClinVar:

ClinVar aggregate classification (germline): Pathogenic/Likely pathogenic. Review status: criteria provided, multiple submitters, no conflicts (2 of 4 stars). 3 submissions from 3 submitters: Pathogenic (2); Likely pathogenic (1). Last evaluated 2025-02-20.

Conditions:
Pyridoxine-dependent epilepsy (EPEO4). Also called: Pyridoxine-Dependent Seizures; Pyridoxine-Dependent Epilepsy - ALDH7A1; PYRIDOXINE DEPENDENCY WITH SEIZURES; EPILEPSY, EARLY-ONSET, 4, VITAMIN B6-DEPENDENT. Identifiers: Orphanet 3006, MedGen C1849508, MONDO:0009945, OMIM 266100. Disease mechanism: loss of function.

Allele frequency attached by ClinVar (database versions not stated): gnomAD exomes below 0.00001.
gnomAD v4.1: 1 of 1,613,854 alleles (0.000062%); highest among the groups gnomAD compares: Non-Finnish European, 0.000085%; no homozygotes.

Submissions (3):

Labcorp Genetics (formerly Invitae), Labcorp
Classification: Pathogenic for Pyridoxine-dependent epilepsy. Last evaluated: 2025-02-20. Review status: criteria provided, single submitter. Criteria: Invitae Variant Classification Sherloc (09022015). Collection method: clinical testing. Allele origin: germline.
Comment: This sequence change replaces glutamic acid, which is acidic and polar, with aspartic acid, which is acidic and polar, at codon 427 of the ALDH7A1 protein (p.Glu427Asp). This variant is not present in population databases (gnomAD no frequency). This missense change has been observed in individuals with pyridoxine-dependent epilepsy (PMID: 19128417). ClinVar contains an entry for this variant (Variation ID: 204865). Invitae Evidence Modeling of protein sequence and biophysical properties (such as structural, functional, and spatial information, amino acid conservation, physicochemical variation, residue mobility, and thermodynamic stability) indicates that this missense variant is expected to disrupt ALDH7A1 protein function with a positive predictive value of 95%. This variant disrupts the p.Glu427 amino acid residue in ALDH7A1. Other variant(s) that disrupt this residue have been determined to be pathogenic (PMID: 16491085, 19128417, 22371912, 26224730). This suggests that this residue is clinically significant, and that variants that disrupt this residue are likely to be disease-causing. For these reasons, this variant has been classified as Pathogenic.

Women's Health and Genetics/Laboratory Corporation of America, LabCorp
Classification: Pathogenic for Pyridoxine-dependent epilepsy. Last evaluated: 2024-08-05. Review status: criteria provided, single submitter. Criteria: LabCorp Variant Classification Summary - May 2015. Collection method: clinical testing. Allele origin: germline.
Comment: Variant summary: ALDH7A1 c.1281G>T (p.Glu427Asp) results in a conservative amino acid change located in the Aldehyde dehydrogenase domain (IPR015590) of the encoded protein sequence. Four of five in-silico tools predict a damaging effect of the variant on protein function. The variant was absent in 251240 control chromosomes. c.1281G>T has been reported in the literature in compound heterozygous individuals affected with Pyridoxine-Dependent Epilepsy (e.g. Gallagher_2009, Friedman_2014). These data indicate that the variant may be associated with disease. At least one publication reports experimental evidence evaluating an impact on protein function. The most pronounced variant effect results in negligible catalytic enzyme activity in vitro (e.g. Laciak_2020). Different variants located at the same codon (c.1279G>C, p.Glu427Gln and c.1280A>G, p.Glu427Gly) have been classified as pathogenic in ClinVar, supporting a critical relevance of this residue to ALDH7A1 protein function. ClinVar contains an entry for this variant (Variation ID: 204865). The following publications have been ascertained in the context of this evaluation (PMID: 19128417, 24942048, 19142996, 31652343, 19433287). Based on the evidence outlined above, the variant was classified as pathogenic.

GeneDx
Classification: Likely pathogenic. Last evaluated: 2024-07-25. Review status: criteria provided, single submitter. Criteria: GeneDx Variant Classification Process June 2021. Collection method: clinical testing. Allele origin: germline. Affected: yes.
Comment: Published functional studies demonstrate a damaging effect with no catalytic activity (PMID: 31652343); Not observed at significant frequency in large population cohorts (gnomAD); In silico analysis supports that this missense variant has a deleterious effect on protein structure/function; This variant is associated with the following publications: (PMID: 31652343, 19128417, 16491085, 20370816, 30043187)

Literature cited by the submitters: PubMed 19128417 (cited by Labcorp Genetics (formerly Invitae), Labcorp and Women's Health and Genetics/Laboratory Corporation of America, LabCorp); PubMed 16491085 (cited by Labcorp Genetics (formerly Invitae), Labcorp); PubMed 22371912 (cited by Labcorp Genetics (formerly Invitae), Labcorp); PubMed 26224730 (cited by Labcorp Genetics (formerly Invitae), Labcorp); PubMed 19142996 (cited by Women's Health and Genetics/Laboratory Corporation of America, LabCorp); PubMed 24942048 (cited by Women's Health and Genetics/Laboratory Corporation of America, LabCorp); PubMed 31652343 (cited by Women's Health and Genetics/Laboratory Corporation of America, LabCorp); PubMed 19433287 (cited by Women's Health and Genetics/Laboratory Corporation of America, LabCorp).

NM_001182.5(ALDH7A1):c.1281G>T (p.Glu427Asp)

Gene: ALDH7A1 (aldehyde dehydrogenase 7 family member A1; minus strand). Cytogenetic location: 5q23.2.
Variant type: single nucleotide variant.
Coding change: c.1281G>T on transcript NM_001182.5 (MANE Select); coding-DNA position 1281, G replaced by T.
Protein change: p.Glu427Asp; replaces glutamic acid 427 with aspartic acid.
Molecular consequence: missense variant.
Genome position (GRCh38, 1-based): chr5:126,552,057, C>A on the plus strand (G>T on the coding strand, the complement: ALDH7A1 is on the minus strand). VCF-style: chr5-126552057-C-A. GRCh37 (hg19) VCF-style: chr5-125887749-C-A.
Other names: p.E427D:GAG>GAT; c.1197G>T, p.Glu399Asp (NM_001201377.2); c.1089G>T, p.Glu363Asp (NM_001202404.2); short protein forms E427D, E399D, E363D.
Identifiers: ClinVar variation 204865 (VCV000204865.7), dbSNP rs796052271, ClinGen allele CA313235.